The following is an entry in ClinVar:

ClinVar aggregate classification (germline): Uncertain significance (1 of 4 stars; one submission).

Allele frequency attached by ClinVar (database versions not stated): ESP Exome Variant Server 0.00008; ExAC 0.00001.
gnomAD v4.1: 1 of 1,489,412 alleles (0.000067%); highest among the groups gnomAD compares: Non-Finnish European, 0.000089%; no homozygotes.

Submission:

Labcorp Genetics (formerly Invitae), Labcorp
Classification: Uncertain significance. Last evaluated: 2026-01-24. Review status: criteria provided, single submitter. Criteria: Invitae Variant Classification Sherloc (09022015). Collection method: clinical testing. Allele origin: germline.
Comment: This sequence change creates a premature translational stop signal (p.Leu345*) in the POLE2 gene. It is expected to result in an absent or disrupted protein product. However, the current clinical and genetic evidence is not sufficient to establish whether loss-of-function variants in POLE2 cause disease. This variant is present in population databases (rs368223418, gnomAD 0.001%). This variant has not been reported in the literature in individuals affected with POLE2-related conditions. ClinVar contains an entry for this variant (Variation ID: 1381804). Algorithms developed to predict the effect of sequence changes on RNA splicing suggest that this variant may disrupt the consensus splice site. In summary, the available evidence is currently insufficient to determine the role of this variant in disease. Therefore, it has been classified as a Variant of Uncertain Significance.

NM_002692.4(POLE2):c.1034T>A (p.Leu345Ter)

Gene: POLE2 (DNA polymerase epsilon 2, accessory subunit; minus strand). Cytogenetic location: 14q21.3.
Variant type: single nucleotide variant.
Coding change: c.1034T>A on transcript NM_002692.4 (MANE Select); coding-DNA position 1034, T replaced by A.
Protein change: p.Leu345Ter; replaces leucine 345 with a stop codon.
Molecular consequence: nonsense.
Genome position (GRCh38, 1-based): chr14:49,654,823, A>T on the plus strand (T>A on the coding strand, the complement: POLE2 is on the minus strand). VCF-style: chr14-49654823-A-T. GRCh37 (hg19) VCF-style: chr14-50121541-A-T.
Other names: c.956T>A, p.Leu319Ter (NM_001197330.2); c.1034T>A, p.Leu345Ter (NM_001197331.3, NM_001348384.2); c.803T>A, p.Leu268Ter (NM_001348385.2); short protein forms L268*, L319*, L345*.
Identifiers: ClinVar variation 1381804 (VCV001381804.6), dbSNP rs368223418, ClinGen allele CA7173401.